The following is an entry in ClinVar:

NM_002474.3(MYH11):c.4725G>T (p.Gln1575His)

Genes: NDE1 (nudE neurodevelopment protein 1; plus strand), MYH11 (myosin heavy chain 11; minus strand). Cytogenetic location: 16p13.11.
Variant type: single nucleotide variant.
Coding change: c.4725G>T on transcript NM_002474.3 (MANE Select); coding-DNA position 4725, G replaced by T.
Protein change: p.Gln1575His; replaces glutamine 1575 with histidine.
Molecular consequence: missense variant. On other transcripts: intron variant (2).
Genome position (GRCh38, 1-based): chr16:15,720,905, C>A on the plus strand (G>T on the coding strand, the complement: MYH11 is on the minus strand). VCF-style: chr16-15720905-C-A. GRCh37 (hg19) VCF-style: chr16-15814762-C-A.
Other names: c.4746G>T, p.Gln1582His (NM_001040113.2, NM_001040114.2); c.4725G>T, p.Gln1575His (NM_022844.3); c.948-3286C>A (NM_001143979.2, NM_017668.3); short protein forms Q1582H, Q1575H.
Identifiers: ClinVar variation 1742685 (VCV001742685.2), dbSNP rs2506120482, ClinGen allele CA394853677.

ClinVar aggregate classification (germline): Uncertain significance (1 of 4 stars; one submission).

Conditions:
Familial thoracic aortic aneurysm and aortic dissection (TAAD). Also called: Thoracic aortic aneurysms and dissections. Identifiers: Orphanet 91387, MedGen C4707243, MONDO:0019625.

Submission:

Ambry Genetics
Classification: Uncertain significance for Familial thoracic aortic aneurysm and aortic dissection. Last evaluated: 2022-02-04. Review status: criteria provided, single submitter. Criteria: Ambry Variant Classification Scheme 2023. Collection method: clinical testing. Allele origin: germline.
Comment: The p.Q1575H variant (also known as c.4725G>T), located in coding exon 32 of the MYH11 gene, results from a G to T substitution at nucleotide position 4725. The glutamine at codon 1575 is replaced by histidine, an amino acid with highly similar properties. This amino acid position is conserved. In addition, the in silico prediction for this alteration is inconclusive. Since supporting evidence is limited at this time, the clinical significance of this alteration remains unclear.